The following is an entry in ClinVar:

NM_002907.4(RECQL):c.525_533dup (p.Val178_Asn179insGluMetVal)

Gene: RECQL (RecQ like helicase; minus strand). Cytogenetic location: 12p12.1.
Variant type: Duplication.
Coding change: c.525_533dup on transcript NM_002907.4 (MANE Select); coding-DNA positions 525 to 533, 9 bases duplicated (TGAAATGGT; older notation c.525_533dupTGAAATGGT).
Protein change: p.Val178_Asn179insGluMetVal.
Molecular consequence: inframe insertion.
Genome position (GRCh38, 1-based): chr12:21,483,543-21,483,551, ACCATTTCA duplicated on the plus strand (TGAAATGGT on the coding strand, the reverse complement: RECQL is on the minus strand). VCF-style (leftmost placement, unchanged base first): chr12-21483542-T-TACCATTTCA. GRCh37 (hg19) VCF-style: chr12-21636476-T-TACCATTTCA.
Other names: c.525_533dup, p.Val178_Asn179insGluMetVal (NM_032941.3).
Identifiers: ClinVar variation 1996054 (VCV001996054.4), dbSNP rs2540375896, ClinGen allele CA2580085231.

ClinVar aggregate classification (germline): Uncertain significance (1 of 4 stars; one submission).

Submission:

Labcorp Genetics (formerly Invitae), Labcorp
Classification: Uncertain significance. Last evaluated: 2024-05-06. Review status: criteria provided, single submitter. Criteria: Invitae Variant Classification Sherloc (09022015). Collection method: clinical testing. Allele origin: germline.
Comment: This variant, c.525_533dup, results in the insertion of 3 amino acid(s) of the RECQL protein (p.Glu176_Val178dup), but otherwise preserves the integrity of the reading frame. This variant is not present in population databases (gnomAD no frequency). This variant has not been reported in the literature in individuals affected with RECQL-related conditions. ClinVar contains an entry for this variant (Variation ID: 1996054). In summary, the available evidence is currently insufficient to determine the role of this variant in disease. Therefore, it has been classified as a Variant of Uncertain Significance.